The following is an entry in ClinVar:

NM_001379451.1(BCORL1):c.103G>A (p.Asp35Asn)

Gene: BCORL1 (BCL6 corepressor like 1; plus strand). Cytogenetic location: Xq26.1.
Variant type: single nucleotide variant.
Coding change: c.103G>A on transcript NM_001379451.1 (MANE Select); coding-DNA position 103, G replaced by A.
Protein change: p.Asp35Asn; replaces aspartic acid 35 with asparagine.
Molecular consequence: missense variant.
Genome position (GRCh38, 1-based): chrX:130,012,594, G>A. VCF-style: chrX-130012594-G-A. GRCh37 (hg19) VCF-style: chrX-129146570-G-A.
Other names: c.103G>A, p.Asp35Asn (NM_001184772.3, NM_001379450.1, NM_021946.5); short protein forms D35N.
Identifiers: ClinVar variation 1313962 (VCV001313962.2), dbSNP rs2124436524, ClinGen allele CA414565600.
Genomic context (GRCh38, chrX:130,012,594, plus strand): 5'-TCCTGGGCCTCATGTCCCTTCTCTGGTTGTATCTTCCATGCTAGAAGAGCACCTCTTTCT[G>A]ATGAGGAGTCAACGACAGGCGACTGCCAGCACTTTGGATCTCAGGAGTTTTGTGTCAGCA-3'
Protein context (NP_001366380.1, residues 25-45): INEERRAPLS[Asp35Asn]EESTTGDCQH

ClinVar aggregate classification (germline): Uncertain significance (1 of 4 stars; one submission).

Submission:

GeneDx
Classification: Uncertain significance. Last evaluated: 2021-01-20. Review status: criteria provided, single submitter. Criteria: GeneDx Variant Classification Process June 2021. Collection method: clinical testing. Allele origin: germline. Affected: yes.
Comment: Not observed in large population cohorts (Lek et al., 2016); In silico analysis supports that this missense variant has a deleterious effect on protein structure/function; Has not been previously published as pathogenic or benign to our knowledge